The following is an entry in ClinVar:

NM_007373.4(SHOC2):c.1682T>C (p.Val561Ala)

Gene: SHOC2 (SHOC2 leucine rich repeat scaffold protein; plus strand). Cytogenetic location: 10q25.2.
Variant type: single nucleotide variant.
Coding change: c.1682T>C on transcript NM_007373.4 (MANE Select); coding-DNA position 1682, T replaced by C.
Protein change: p.Val561Ala; replaces valine 561 with alanine.
Molecular consequence: missense variant. On other transcripts: non-coding transcript variant (1).
Genome position (GRCh38, 1-based): chr10:111,011,751, T>C. VCF-style: chr10-111011751-T-C. GRCh37 (hg19) VCF-style: chr10-112771509-T-C.
Other names: p.Val561Ala; c.1544T>C, p.Val515Ala (NM_001269039.3); c.1682T>C, p.Val561Ala (NM_001324336.2, NM_001324337.2); short protein forms V561A, V515A.
Identifiers: ClinVar variation 477726 (VCV000477726.10), dbSNP rs776628753, ClinGen allele CA5689827.

ClinVar aggregate classification (germline): Uncertain significance. Review status: criteria provided, multiple submitters, no conflicts (2 of 4 stars). 3 submissions from 3 submitters: Uncertain significance (3). Last evaluated 2026-01-19.

Conditions:
Cardiovascular phenotype. Identifiers: MedGen CN230736.
RASopathy. Also called: rasopathies; Noonan spectrum disorder. Identifiers: Orphanet 536391, MedGen C5555857, MONDO:0021060.

Allele frequency attached by ClinVar (database versions not stated): ExAC 0.00001; gnomAD 0.00001; gnomAD exomes 0.00001 and 0.00002; TOPMed 0.00002.
gnomAD v4.1: 35 of 1,613,934 alleles (0.0022%); highest among the groups gnomAD compares: Non-Finnish European, 0.0028%; no homozygotes.

Submissions (3):

Labcorp Genetics (formerly Invitae), Labcorp
Classification: Uncertain significance for RASopathy. Last evaluated: 2026-01-19. Review status: criteria provided, single submitter. Criteria: Invitae Variant Classification Sherloc (09022015). Collection method: clinical testing. Allele origin: germline.
Comment: This sequence change replaces valine, which is neutral and non-polar, with alanine, which is neutral and non-polar, at codon 561 of the SHOC2 protein (p.Val561Ala). This variant is present in population databases (rs776628753, gnomAD 0.0009%). This variant has not been reported in the literature in individuals affected with SHOC2-related conditions. ClinVar contains an entry for this variant (Variation ID: 477726). Invitae Evidence Modeling of protein sequence and biophysical properties (such as structural, functional, and spatial information, amino acid conservation, physicochemical variation, residue mobility, and thermodynamic stability) indicates that this missense variant is not expected to disrupt SHOC2 protein function with a negative predictive value of 80%. In summary, the available evidence is currently insufficient to determine the role of this variant in disease. Therefore, it has been classified as a Variant of Uncertain Significance.

Ambry Genetics
Classification: Uncertain significance for Cardiovascular phenotype. Last evaluated: 2025-11-26. Review status: criteria provided, single submitter. Criteria: Ambry Variant Classification Scheme 2023. Collection method: clinical testing. Allele origin: germline.
Comment: The p.V561A variant (also known as c.1682T>C), located in coding exon 8 of the SHOC2 gene, results from a T to C substitution at nucleotide position 1682. The valine at codon 561 is replaced by alanine, an amino acid with similar properties. This amino acid position is highly conserved in available vertebrate species. In addition, this alteration is predicted to be deleterious by in silico analysis. Based on the available evidence, the clinical significance of this variant remains unclear.

Mayo Clinic Laboratories, Mayo Clinic
Classification: Uncertain significance. Last evaluated: 2023-02-23. Review status: criteria provided, single submitter. Criteria: ACMG Guidelines, 2015. Collection method: clinical testing. Allele origin: germline. Observed: 1 variant allele.